The following is an entry in ClinVar:

NM_015100.4(POGZ):c.2061+4_2061+5del

Gene: POGZ (pogo transposable element derived with ZNF domain; minus strand). Cytogenetic location: 1q21.3.
Variant type: Deletion.
Coding change: c.2061+4_2061+5del on transcript NM_015100.4 (MANE Select); bases 4 to 5 of the intron after coding-DNA position 2061, 2 bases deleted (AA; older notation c.2061+4_2061+5delAA).
Molecular consequence: intron variant.
Genome position (GRCh38, 1-based): chr1:151,408,689-151,408,690, TT deleted on the plus strand (AA on the coding strand, the reverse complement: POGZ is on the minus strand); deleting any 2 consecutive bases within chr1:151,408,689-151,408,691 gives the same sequence; the c. name uses the placement nearest the transcript's 3' end. VCF-style (leftmost placement, unchanged base first): chr1-151408688-CTT-C. GRCh37 (hg19) VCF-style: chr1-151381164-CTT-C.
Other names: c.1875+4_1875+5del (NM_001194938.2); c.1776+4_1776+5del (NM_145796.4); c.2034+4_2034+5del (NM_001194937.2); c.1902+4_1902+5del (NM_207171.2).
Identifiers: ClinVar variation 588181 (VCV000588181.5), dbSNP rs749025678, ClinGen allele CA1091279.

ClinVar aggregate classification (germline): Uncertain significance (1 of 4 stars; one submission).

Conditions:
Inborn genetic diseases. Identifiers: MedGen C0950123, MeSH D030342.

Submission:

Ambry Genetics
Classification: Uncertain significance for Inborn genetic diseases. Last evaluated: 2016-08-29. Review status: criteria provided, single submitter. Criteria: Ambry Variant Classification Scheme 2023. Collection method: clinical testing. Allele origin: germline.
Comment: The c.2061+4_2061+5delAA intronic variant, located in intron 12 of the POGZ gene, results from a deletion of two nucleotides within intron 12 of the POGZ gene. This variant was not reported in population based cohorts in the following databases: Database of Single Nucleotide Polymorphisms (dbSNP), NHLBI Exome Sequencing Project (ESP), and 1000 Genomes Project. In the ESP, this variant was not observed in 6503 samples (13006 alleles) with coverage at this position. This nucleotide position is poorly conserved in available vertebrate species. Using the BDGP and ESEfinder splice site prediction tools, this alteration is predicted to weaken the efficiency of the native splice donor site; however, direct evidence is unavailable. Since supporting evidence is limited at this time, the clinical significance of this variant remains unclear.